The following is an entry in ClinVar:

ClinVar aggregate classification (germline): Uncertain significance. Review status: criteria provided, multiple submitters, no conflicts (2 of 4 stars). 2 submissions from 2 submitters: Uncertain significance (2). Last evaluated 2024-06-30.

Conditions:
Giant axonal neuropathy 1 (GAN1). Also called: GAN-Related Neurodegeneration; GIANT AXONAL NEUROPATHY 1, AUTOSOMAL RECESSIVE. Identifiers: Orphanet 643, MedGen C1850386, MONDO:0009749, OMIM 256850.
Inborn genetic diseases. Identifiers: MedGen C0950123, MeSH D030342.

Submissions (2):

Ambry Genetics
Classification: Uncertain significance for Inborn genetic diseases. Last evaluated: 2024-06-30. Review status: criteria provided, single submitter. Criteria: Ambry Variant Classification Scheme 2023. Collection method: clinical testing. Allele origin: germline.

Labcorp Genetics (formerly Invitae), Labcorp
Classification: Uncertain significance for Giant axonal neuropathy 1. Last evaluated: 2019-02-27. Review status: criteria provided, single submitter. Criteria: Invitae Variant Classification Sherloc (09022015). Collection method: clinical testing. Allele origin: germline.
Comment: In summary, the available evidence is currently insufficient to determine the role of this variant in disease. Therefore, it has been classified as a Variant of Uncertain Significance. Algorithms developed to predict the effect of missense changes on protein structure and function (SIFT, PolyPhen-2, Align-GVGD) all suggest that this variant is likely to be tolerated, but these predictions have not been confirmed by published functional studies and their clinical significance is uncertain. This variant has not been reported in the literature in individuals with GAN-related conditions. This variant is not present in population databases (ExAC no frequency). This sequence change replaces alanine with serine at codon 324 of the GAN protein (p.Ala324Ser). The alanine residue is highly conserved and there is a moderate physicochemical difference between alanine and serine.

NM_022041.4(GAN):c.970G>T (p.Ala324Ser)

Gene: GAN (gigaxonin; plus strand). Cytogenetic location: 16q23.2.
Variant type: single nucleotide variant.
Coding change: c.970G>T on transcript NM_022041.4 (MANE Select); coding-DNA position 970, G replaced by T.
Protein change: p.Ala324Ser; replaces alanine 324 with serine.
Molecular consequence: missense variant.
Genome position (GRCh38, 1-based): chr16:81,357,928, G>T. VCF-style: chr16-81357928-G-T. GRCh37 (hg19) VCF-style: chr16-81391533-G-T.
Other names: c.331G>T, p.Ala111Ser (NM_001377486.1); short protein forms A111S, A324S.
Identifiers: ClinVar variation 862531 (VCV000862531.10), dbSNP rs1910545878, ClinGen allele CA396873553.